The following is an entry in ClinVar:

NM_018723.4(RBFOX1):c.610C>A (p.Pro204Thr)

Gene: RBFOX1 (RNA binding fox-1 homolog 1; plus strand). Cytogenetic location: 16p13.3.
Variant type: single nucleotide variant.
Coding change: c.610C>A on transcript NM_018723.4 (MANE Select); coding-DNA position 610, C replaced by A.
Protein change: p.Pro204Thr; replaces proline 204 with threonine.
Molecular consequence: missense variant.
Genome position (GRCh38, 1-based): chr16:7,597,419, C>A. VCF-style: chr16-7597419-C-A. GRCh37 (hg19) VCF-style: chr16-7647421-C-A.
Other names: c.610C>A, p.Pro204Thr (NM_001142333.2, NM_001142334.2, NM_001364800.2); c.739C>A, p.Pro247Thr (NM_001308117.1, NM_001415895.1, NM_001415897.1 and 3 more transcripts); c.670C>A, p.Pro224Thr (NM_001415896.1, NM_001415904.1, NM_001415915.1 and 4 more transcripts); c.718C>A, p.Pro240Thr (NM_001415898.1, NM_001415900.1, NM_001415889.1 and 3 more transcripts); c.685C>A, p.Pro229Thr (NM_001415899.1, NM_001415901.1, NM_001415903.1 and 3 more transcripts); c.616C>A, p.Pro206Thr (NM_001415902.1, NM_001415917.1, NM_001415911.1); c.646C>A, p.Pro216Thr (NM_001415914.1, NM_001415908.1); c.517C>A, p.Pro173Thr (NM_001415916.1); and 3 more; short protein forms P173T, P198T, P403T, P204T, P206T, P209T, P216T, P229T.
Identifiers: ClinVar variation 3656641 (VCV003656641.2).

ClinVar aggregate classification (germline): Uncertain significance (1 of 4 stars; one submission).

Conditions:
Idiopathic generalized epilepsy. Also called: EIG; Generalised epilepsy. Identifiers: MedGen C0270850, MONDO:0005579, OMIM 600669.

Submission:

Labcorp Genetics (formerly Invitae), Labcorp
Classification: Uncertain significance for Idiopathic generalized epilepsy. Last evaluated: 2024-05-16. Review status: criteria provided, single submitter. Criteria: Invitae Variant Classification Sherloc (09022015). Collection method: clinical testing. Allele origin: germline.
Comment: This sequence change replaces proline, which is neutral and non-polar, with threonine, which is neutral and polar, at codon 224 of the RBFOX1 protein (p.Pro224Thr). This variant is present in population databases (no rsID available, gnomAD 0.002%). This variant has not been reported in the literature in individuals affected with RBFOX1-related conditions. Advanced modeling of protein sequence and biophysical properties (such as structural, functional, and spatial information, amino acid conservation, physicochemical variation, residue mobility, and thermodynamic stability) performed at Invitae indicates that this missense variant is not expected to disrupt RBFOX1 protein function with a negative predictive value of 80%. In summary, the available evidence is currently insufficient to determine the role of this variant in disease. Therefore, it has been classified as a Variant of Uncertain Significance.